The following is an entry in ClinVar:

NM_025074.7(FRAS1):c.10026G>A (p.Ser3342=)

Gene: FRAS1 (Fraser extracellular matrix complex subunit 1; plus strand). Cytogenetic location: 4q21.21.
Variant type: single nucleotide variant.
Coding change: c.10026G>A on transcript NM_025074.7 (MANE Select); coding-DNA position 10026, G replaced by A.
Protein change: p.Ser3342=; no amino-acid change (serine 3342 retained).
Molecular consequence: synonymous variant.
Genome position (GRCh38, 1-based): chr4:78,513,404, G>A. VCF-style: chr4-78513404-G-A. GRCh37 (hg19) VCF-style: chr4-79434558-G-A.
Other names: c.10026G>A (NM_025074.6).
Identifiers: ClinVar variation 3003654 (VCV003003654.5), dbSNP rs779763231, ClinGen allele CA2978848.

ClinVar aggregate classification (germline): Likely benign. Review status: criteria provided, single submitter (1 of 4 stars). 2 submissions from 2 submitters: Likely benign (1). 1 of the submissions does not count toward it. Last evaluated 2026-01-28.

Conditions:
FRAS1-related disorder. Also called: FRAS1-related condition.

Allele frequency attached by ClinVar (database versions not stated): TOPMed 0.00005; gnomAD 0.00007; ExAC 0.00012.
gnomAD v4.1: 174 of 1,613,382 alleles (0.011%); highest among the groups gnomAD compares: Non-Finnish European, 0.013%; no homozygotes.

Submissions (2):

Labcorp Genetics (formerly Invitae), Labcorp
Classification: Likely benign. Last evaluated: 2026-01-28. Review status: criteria provided, single submitter. Criteria: Invitae Variant Classification Sherloc (09022015). Collection method: clinical testing. Allele origin: germline.

PreventionGenetics, part of Exact Sciences
Classification: Likely benign for FRAS1-related condition. Last evaluated: 2023-11-08. Review status: no assertion criteria provided. Collection method: clinical testing. Allele origin: germline. Not counted in ClinVar's aggregate classification.
Comment: This variant is classified as likely benign based on ACMG/AMP sequence variant interpretation guidelines (Richards et al. 2015 PMID: 25741868, with internal and published modifications).